The following is an entry in ClinVar:

NM_014712.3(SETD1A):c.544C>G (p.Leu182Val)

Gene: SETD1A (SET domain containing 1A, histone lysine methyltransferase; plus strand). Cytogenetic location: 16p11.2.
Variant type: single nucleotide variant.
Coding change: c.544C>G on transcript NM_014712.3 (MANE Select); coding-DNA position 544, C replaced by G.
Protein change: p.Leu182Val; replaces leucine 182 with valine.
Molecular consequence: missense variant.
Genome position (GRCh38, 1-based): chr16:30,963,459, C>G. VCF-style: chr16-30963459-C-G. GRCh37 (hg19) VCF-style: chr16-30974780-C-G.
Other names: short protein forms L182V.
Identifiers: ClinVar variation 3897422 (VCV003897422.1).
Genomic context (GRCh38, chr16:30,963,459, plus strand): 5'-ATCTGACAATTGGTTCCCATTTCCCTCCCTCCAGGACAACAACGAATGAAATACTATGAA[C>G]TAATTGTCAATGGCTCCTACACCCCTCAGACTGTGCCCACTGGGGGCAAGGCCCTGAGTG-3'
Protein context (NP_055527.1, residues 172-192): KGQQRMKYYE[Leu182Val]IVNGSYTPQT

ClinVar aggregate classification (germline): Uncertain significance (1 of 4 stars; one submission).

Submission:

GeneDx
Classification: Uncertain significance. Last evaluated: 2024-10-29. Review status: criteria provided, single submitter. Criteria: GeneDx Variant Classification Process June 2021. Collection method: clinical testing. Allele origin: germline. Affected: yes.
Comment: Not observed at significant frequency in large population cohorts (gnomAD); In silico analysis supports that this missense variant has a deleterious effect on protein structure/function; Has not been previously published as pathogenic or benign to our knowledge